The following is an entry in ClinVar:

ClinVar aggregate classification (germline): Pathogenic (1 of 4 stars; one submission).

Submission:

Labcorp Genetics (formerly Invitae), Labcorp
Classification: Pathogenic. Last evaluated: 2024-05-15. Review status: criteria provided, single submitter. Criteria: Invitae Variant Classification Sherloc (09022015). Collection method: clinical testing. Allele origin: germline.
Comment: This sequence change creates a premature translational stop signal (p.Glu396*) in the MBD4 gene. It is expected to result in an absent or disrupted protein product. Loss-of-function variants in MBD4 are known to be pathogenic (PMID: 30049810, 35460607). This variant is not present in population databases (gnomAD no frequency). This variant has not been reported in the literature in individuals affected with MBD4-related conditions. For these reasons, this variant has been classified as Pathogenic.

Literature cited by the submitters: PubMed 30049810; PubMed 35460607.

NM_001276270.2(MBD4):c.1183+3G>T

Gene: MBD4 (methyl-CpG binding domain 4, DNA glycosylase; minus strand). Cytogenetic location: 3q21.3.
Variant type: single nucleotide variant.
Coding change: c.1183+3G>T on transcript NM_001276270.2 (MANE Select); 3 bases into the intron after coding-DNA position 1183, G replaced by T.
Molecular consequence: intron variant. On other transcripts: nonsense (3).
Genome position (GRCh38, 1-based): chr3:129,436,458, C>A on the plus strand (G>T on the coding strand, the complement: MBD4 is on the minus strand). VCF-style: chr3-129436458-C-A. GRCh37 (hg19) VCF-style: chr3-129155301-C-A.
Other names: c.1186G>T, p.Glu396Ter (NM_001276271.2, NM_001276272.2, NM_003925.3); c.247+1350G>T (NM_001276273.2); short protein forms E396*.
Identifiers: ClinVar variation 3653430 (VCV003653430.2).